The following is an entry in ClinVar:

NM_001165963.4(SCN1A):c.2369A>T (p.Tyr790Phe)

Gene: SCN1A (sodium voltage-gated channel alpha subunit 1; minus strand). Cytogenetic location: 2q24.3.
Variant type: single nucleotide variant.
Coding change: c.2369A>T on transcript NM_001165963.4 (MANE Select); coding-DNA position 2369, A replaced by T.
Protein change: p.Tyr790Phe; replaces tyrosine 790 with phenylalanine.
Molecular consequence: missense variant. On other transcripts: 5 prime UTR variant (1), non-coding transcript variant (1).
Genome position (GRCh38, 1-based): chr2:166,041,277, T>A on the plus strand (A>T on the coding strand, the complement: SCN1A is on the minus strand). VCF-style: chr2-166041277-T-A. GRCh37 (hg19) VCF-style: chr2-166897787-T-A.
Other names: c.2369A>T (NM_001165963.3); c.2285A>T, p.Tyr762Phe (NM_001165964.3, NM_001353957.2, NM_001353958.2); c.2369A>T, p.Tyr790Phe (NM_001202435.3, NM_001353948.2); c.2336A>T, p.Tyr779Phe (NM_001353949.2, NM_001353950.2, NM_001353951.2 and 2 more transcripts); c.2333A>T, p.Tyr778Phe (NM_001353954.2, NM_001353955.2); c.2282A>T, p.Tyr761Phe (NM_001353960.2); c.-90A>T (NM_001353961.2); short protein forms Y779F, Y778F, Y790F, Y761F, Y762F.
Identifiers: ClinVar variation 961713 (VCV000961713.20), dbSNP rs121918782, ClinGen allele CA1943130.

ClinVar aggregate classification (germline): Pathogenic/Likely pathogenic. Review status: criteria provided, multiple submitters, no conflicts (2 of 4 stars). 5 submissions from 5 submitters: Pathogenic (1); Likely pathogenic (4). Last evaluated 2025-10-01.

Conditions:
Early-infantile DEE. Also called: Early infantile epileptic encephalopathy with suppression bursts; Early infantile epileptic encephalopathy; Ohtahara syndrome. Identifiers: Orphanet 1934, MedGen C0393706, MONDO:0800491.
Febrile seizures, familial, 1. Also called: FEB1. Identifiers: MedGen C1852577, MONDO:0007367, OMIM 121210.
Severe myoclonic epilepsy in infancy (DRVT). Also called: Epileptic encephalopathy, early infantile, 6 (Dravet syndrome); SEVERE MYOCLONIC EPILEPSY OF INFANCY; DEVELOPMENTAL AND EPILEPTIC ENCEPHALOPATHY 6A; Severe Myoclonic Epilepsy in Infancy (SMEI); Dravet syndrome. Identifiers: Orphanet 33069, MedGen C0751122, MONDO:0100135, OMIM 607208.
Generalized epilepsy with febrile seizures plus, type 2 (GEFSP2). Also called: GEFS+, TYPE 2. Identifiers: Orphanet 36387, MedGen C1858673, MONDO:0011461, OMIM 604403.
Migraine, familial hemiplegic, 3. Identifiers: Orphanet 569, MedGen C1864987, MONDO:0012320, OMIM 609634.

Allele frequency attached by ClinVar (database versions not stated): ExAC 0.00001; gnomAD 0.00001; gnomAD exomes 0.00001 and 0.00002; TOPMed 0.00002; ESP Exome Variant Server 0.00008.
gnomAD v4.1: 20 of 1,613,930 alleles (0.0012%); highest among the groups gnomAD compares: African/African-American, 0.0013%; no homozygotes.

Submissions (5):

CeGaT Center for Human Genetics Tuebingen
Classification: Likely pathogenic. Last evaluated: 2025-10-01. Review status: criteria provided, single submitter. Criteria: CeGaT Center For Human Genetics Tuebingen Variant Classification Criteria Version 2. Collection method: clinical testing. Allele origin: germline. Affected: yes. Observed: 1 variant allele.
Comment: SCN1A: PM5, PS4:Moderate, PM2:Supporting, PM6:Supporting, PP2

Genomic Medicine Center of Excellence, King Faisal Specialist Hospital and Research Centre
Classification: Likely pathogenic for Severe myoclonic epilepsy in infancy. Last evaluated: 2025-09-10. Review status: criteria provided, single submitter. Criteria: ACMG Guidelines, 2015. Collection method: clinical testing. Allele origin: germline.

3billion
Classification: Likely pathogenic for Generalized epilepsy with febrile seizures plus, type 2. Last evaluated: 2025-03-27. Review status: criteria provided, single submitter. Criteria: ACMG Guidelines, 2015. Collection method: clinical testing. Allele origin: germline. Affected: yes.

Revvity Omics, Revvity
Classification: Likely pathogenic. Last evaluated: 2025-02-11. Review status: criteria provided, single submitter. Criteria: ACMG Guidelines, 2015. Collection method: clinical testing. Allele origin: germline.

Labcorp Genetics (formerly Invitae), Labcorp
Classification: Pathogenic for Early-infantile DEE. Last evaluated: 2022-12-30. Review status: criteria provided, single submitter. Criteria: Invitae Variant Classification Sherloc (09022015). Collection method: clinical testing. Allele origin: germline.
Comment: This missense change has been observed in individual(s) with clinical features of generalized epilepsy with febrile seizures plus (GEFS+) as well as focal epilepsy with auditory features (PMID: 17679682, 28202706, 30977726). In at least one individual the variant was observed to be de novo. This variant is present in population databases (rs121918782, gnomAD 0.004%). This sequence change replaces tyrosine, which is neutral and polar, with phenylalanine, which is neutral and non-polar, at codon 790 of the SCN1A protein (p.Tyr790Phe). This variant is also known as c.Tyr779Phe. For these reasons, this variant has been classified as Pathogenic. This variant disrupts the p.Tyr790 amino acid residue in SCN1A. Other variant(s) that disrupt this residue have been observed in individuals with SCN1A-related conditions (PMID: 12919402, 25576396, 28202706), which suggests that this may be a clinically significant amino acid residue. Advanced modeling of protein sequence and biophysical properties (such as structural, functional, and spatial information, amino acid conservation, physicochemical variation, residue mobility, and thermodynamic stability) performed at Invitae indicates that this missense variant is expected to disrupt SCN1A protein function. ClinVar contains an entry for this variant (Variation ID: 961713).

Literature cited by the submitters: PubMed 17679682 (cited by 3billion and Labcorp Genetics (formerly Invitae), Labcorp); PubMed 12919402 (cited by 3billion and Labcorp Genetics (formerly Invitae), Labcorp); PubMed 28202706 (cited by Labcorp Genetics (formerly Invitae), Labcorp); PubMed 30977726 (cited by Labcorp Genetics (formerly Invitae), Labcorp); PubMed 25576396 (cited by Labcorp Genetics (formerly Invitae), Labcorp).